The following is an entry in ClinVar:

NM_001244008.2(KIF1A):c.2273T>G (p.Phe758Cys)

Gene: KIF1A (kinesin family member 1A; minus strand). Cytogenetic location: 2q37.3.
Variant type: single nucleotide variant.
Coding change: c.2273T>G on transcript NM_001244008.2 (MANE Select); coding-DNA position 2273, T replaced by G.
Protein change: p.Phe758Cys; replaces phenylalanine 758 with cysteine.
Molecular consequence: missense variant.
Genome position (GRCh38, 1-based): chr2:240,760,836, A>C on the plus strand (T>G on the coding strand, the complement: KIF1A is on the minus strand). VCF-style: chr2-240760836-A-C. GRCh37 (hg19) VCF-style: chr2-241700253-A-C.
Other names: c.2246T>G (NM_004321.6); c.2273T>G, p.Phe758Cys (NM_001320705.2, NM_001330289.2, NM_001379638.1); c.2348T>G, p.Phe783Cys (NM_001330290.2, NM_001379631.1, NM_001379634.1 and 2 more transcripts); c.2246T>G, p.Phe749Cys (NM_001379632.1, NM_001379633.1, NM_001379636.1 and 11 more transcripts); c.2321T>G, p.Phe774Cys (NM_001379637.1, NM_001379648.1); short protein forms F749C, F758C, F774C, F783C.
Identifiers: ClinVar variation 1716297 (VCV001716297.7), dbSNP rs2537602362, ClinGen allele CA351325194.

ClinVar aggregate classification (germline): Uncertain significance. Review status: criteria provided, multiple submitters, no conflicts (2 of 4 stars). 2 submissions from 2 submitters: Uncertain significance (2). Last evaluated 2025-01-21.

Conditions:
Neuropathy, hereditary sensory, type 2C. Also called: KIF1A-Related HSAN2 (HSAN2C); Hereditary sensory and autonomic neuropathy type IIC. Identifiers: Orphanet 970, MedGen C3280168, MONDO:0013634, OMIM 614213.
Intellectual disability, autosomal dominant 9 (NESCAVS). Also called: KIF1A-Related Neurodevelopmental Disorder; NESCAV SYNDROME. Identifiers: Orphanet 662367, MedGen C5393830, MONDO:0013656, OMIM 614255.
Hereditary spastic paraplegia 30. Identifiers: Orphanet 101010, MedGen C5235139, MONDO:0012476.

Submissions (2):

GeneDx
Classification: Uncertain significance. Last evaluated: 2025-01-21. Review status: criteria provided, single submitter. Criteria: GeneDx Variant Classification Process June 2021. Collection method: clinical testing. Allele origin: germline.
Comment: Not observed at significant frequency in large population cohorts (gnomAD); In silico analysis supports that this missense variant has a deleterious effect on protein structure/function; Has not been previously published as pathogenic or benign to our knowledge

Labcorp Genetics (formerly Invitae), Labcorp
Classification: Uncertain significance for Hereditary spastic paraplegia 30; Neuropathy, hereditary sensory, type 2C; Intellectual disability, autosomal dominant 9. Last evaluated: 2023-12-01. Review status: criteria provided, single submitter. Criteria: Invitae Variant Classification Sherloc (09022015). Collection method: clinical testing. Allele origin: germline.
Comment: This sequence change replaces phenylalanine, which is neutral and non-polar, with cysteine, which is neutral and slightly polar, at codon 749 of the KIF1A protein (p.Phe749Cys). This variant is not present in population databases (gnomAD no frequency). This variant has not been reported in the literature in individuals affected with KIF1A-related conditions. ClinVar contains an entry for this variant (Variation ID: 1716297). Advanced modeling of protein sequence and biophysical properties (such as structural, functional, and spatial information, amino acid conservation, physicochemical variation, residue mobility, and thermodynamic stability) has been performed at Invitae for this missense variant, however the output from this modeling did not meet the statistical confidence thresholds required to predict the impact of this variant on KIF1A protein function. In summary, the available evidence is currently insufficient to determine the role of this variant in disease. Therefore, it has been classified as a Variant of Uncertain Significance.